The following is an entry in ClinVar:

NM_000038.6(APC):c.5033_5034delinsAA (p.Gly1678Glu)

Gene: APC (APC regulator of Wnt signaling pathway; plus strand). Cytogenetic location: 5q22.2.
Variant type: Indel.
Coding change: c.5033_5034delinsAA on transcript NM_000038.6 (MANE Select); coding-DNA positions 5033 to 5034, GG replaced by AA.
Protein change: p.Gly1678Glu; replaces glycine 1678 with glutamic acid.
Molecular consequence: missense variant.
Genome position (GRCh38, 1-based): chr5:112,840,627-112,840,628, GG replaced by AA. VCF-style: chr5-112840627-GG-AA. GRCh37 (hg19) VCF-style: chr5-112176324-GG-AA.
Other names: c.5033_5034delGGinsAA (NM_000038.5); c.5033_5034delinsAA, p.Gly1678Glu (NM_001127510.3, NM_001354895.2); c.4979_4980delinsAA, p.Gly1660Glu (NM_001127511.3); c.5087_5088delinsAA, p.Gly1696Glu (NM_001354896.2); c.5063_5064delinsAA, p.Gly1688Glu (NM_001354897.2); c.4958_4959delinsAA, p.Gly1653Glu (NM_001354898.2); c.4949_4950delinsAA, p.Gly1650Glu (NM_001354899.2); c.4910_4911delinsAA, p.Gly1637Glu (NM_001354900.2); and 6 more; short protein forms G1395E, G1660E, G1552E, G1587E, G1650E, G1653E, G1696E, G1518E.
Identifiers: ClinVar variation 1047386 (VCV001047386.49), dbSNP rs1765832226, ClinGen allele CA1573473273.

ClinVar aggregate classification (germline): Uncertain significance. Review status: criteria provided, multiple submitters, no conflicts (2 of 4 stars). 2 submissions from 2 submitters: Uncertain significance (2). Last evaluated 2023-02-08.

Conditions:
Hereditary cancer-predisposing syndrome. Also called: Hereditary Cancer Syndrome; Tumor predisposition; Hereditary neoplastic syndrome; Neoplastic Syndromes, Hereditary. Identifiers: Orphanet 140162, MedGen C0027672, MeSH D009386, MONDO:0015356.
Familial adenomatous polyposis 1 (FAP1). Also called: POLYPOSIS, ADENOMATOUS INTESTINAL; FAMILIAL ADENOMATOUS POLYPOSIS 1, ATTENUATED. Identifiers: MedGen C2713442, MONDO:0021056, OMIM 175100. Disease mechanism: loss of function.

Submissions (2):

Ambry Genetics
Classification: Uncertain significance for Hereditary cancer-predisposing syndrome. Last evaluated: 2023-02-08. Review status: criteria provided, single submitter. Criteria: Ambry Variant Classification Scheme 2023. Collection method: clinical testing. Allele origin: germline.
Comment: The c.5033_5034delGGinsAA variant (also known as p.G1678E), located in coding exon 15 of the APC gene, results from an in-frame deletion of GG and insertion of AA at nucleotide positions 5033 to 5034. This results in the substitution of the glycine residue for a glutamic acid residue at codon 1678, an amino acid with similar properties. In addition, this alteration is predicted to be neutral by in silico analysis (Choi Y et al. PLoS ONE. 2012; 7(10):e46688). Since supporting evidence is limited at this time, the clinical significance of this alteration remains unclear.

Labcorp Genetics (formerly Invitae), Labcorp
Classification: Uncertain significance for Familial adenomatous polyposis 1. Last evaluated: 2020-01-25. Review status: criteria provided, single submitter. Criteria: Invitae Variant Classification Sherloc (09022015). Collection method: clinical testing. Allele origin: germline.
Comment: Algorithms developed to predict the effect of missense changes on protein structure and function are either unavailable or do not agree on the potential impact of this missense change (SIFT: "Not Available"; PolyPhen-2: "Benign"; Align-GVGD: "Not Available"). This variant has not been reported in the literature in individuals with APC-related conditions. The frequency data for this variant in the population databases is not available, as this variant may be reported as separate entries in the ExAC database. This sequence change replaces glycine with glutamic acid at codon 1678 of the APC protein (p.Gly1678Glu). The glycine residue is moderately conserved and there is a moderate physicochemical difference between glycine and glutamic acid. In summary, the available evidence is currently insufficient to determine the role of this variant in disease. Therefore, it has been classified as a Variant of Uncertain Significance.